The following is an entry in ClinVar:

NM_007194.4(CHEK2):c.763A>C (p.Lys255Gln)

Gene: CHEK2 (checkpoint kinase 2; minus strand). Cytogenetic location: 22q12.1.
Variant type: single nucleotide variant.
Coding change: c.763A>C on transcript NM_007194.4 (MANE Select); coding-DNA position 763, A replaced by C.
Protein change: p.Lys255Gln; replaces lysine 255 with glutamine.
Molecular consequence: missense variant.
Genome position (GRCh38, 1-based): chr22:28,711,938, T>G on the plus strand (A>C on the coding strand, the complement: CHEK2 is on the minus strand). VCF-style: chr22-28711938-T-G. GRCh37 (hg19) VCF-style: chr22-29107926-T-G.
Other names: c.892A>C, p.Lys298Gln (NM_001005735.3); c.100A>C, p.Lys34Gln (NM_001257387.3); c.562A>C, p.Lys188Gln (NM_001349956.3); c.763A>C, p.Lys255Gln (NM_145862.3); short protein forms K298Q, K188Q, K255Q, K34Q.
Identifiers: ClinVar variation 2013605 (VCV002013605.4), dbSNP rs2053408810, ClinGen allele CA411103156.

ClinVar aggregate classification (germline): Uncertain significance (1 of 4 stars; one submission).

Conditions:
Familial cancer of breast. Also called: Hereditary breast cancer; BREAST CANCER, FAMILIAL; hereditary breast carcinoma. Identifiers: Orphanet 227535, MedGen C0346153, MONDO:0016419, OMIM 114480. Disease mechanism: loss of function.

Submission:

Labcorp Genetics (formerly Invitae), Labcorp
Classification: Uncertain significance for Familial cancer of breast. Last evaluated: 2022-07-03. Review status: criteria provided, single submitter. Criteria: Invitae Variant Classification Sherloc (09022015). Collection method: clinical testing. Allele origin: germline.
Comment: In summary, the available evidence is currently insufficient to determine the role of this variant in disease. Therefore, it has been classified as a Variant of Uncertain Significance. Algorithms developed to predict the effect of missense changes on protein structure and function are either unavailable or do not agree on the potential impact of this missense change (SIFT: "Deleterious"; PolyPhen-2: "Benign"; Align-GVGD: "Class C0"). This variant has not been reported in the literature in individuals affected with CHEK2-related conditions. This variant is not present in population databases (gnomAD no frequency). This sequence change replaces lysine, which is basic and polar, with glutamine, which is neutral and polar, at codon 255 of the CHEK2 protein (p.Lys255Gln).